The following is an entry in ClinVar:

ClinVar aggregate classification (germline): Uncertain significance (1 of 4 stars; one submission).

Conditions:
Long QT syndrome (LQTS). Identifiers: MedGen C0023976, MeSH D008133, MONDO:0002442. Disease mechanism: loss of function. Inheritance: Various modes of inheritance.

Allele frequency attached by ClinVar (database versions not stated): TOPMed below 0.00001.

Submission:

Labcorp Genetics (formerly Invitae), Labcorp
Classification: Uncertain significance for Long QT syndrome. Last evaluated: 2021-09-15. Review status: criteria provided, single submitter. Criteria: Invitae Variant Classification Sherloc (09022015). Collection method: clinical testing. Allele origin: germline.
Comment: This sequence change replaces serine with glycine at codon 1674 of the ANK2 protein (p.Ser1674Gly). The serine residue is weakly conserved and there is a small physicochemical difference between serine and glycine. This variant is not present in population databases (ExAC no frequency). This variant has not been reported in the literature in individuals affected with ANK2-related conditions. Algorithms developed to predict the effect of missense changes on protein structure and function output the following: SIFT: "Tolerated"; PolyPhen-2: "Benign"; Align-GVGD: "Class C0". The glycine amino acid residue is found in multiple mammalian species, which suggests that this missense change does not adversely affect protein function. In summary, the available evidence is currently insufficient to determine the role of this variant in disease. Therefore, it has been classified as a Variant of Uncertain Significance.

NM_001148.6(ANK2):c.5020A>G (p.Ser1674Gly)

Gene: ANK2 (ankyrin 2; plus strand). Cytogenetic location: 4q26.
Variant type: single nucleotide variant.
Coding change: c.5020A>G on transcript NM_001148.6 (MANE Select); coding-DNA position 5020, A replaced by G.
Protein change: p.Ser1674Gly; replaces serine 1674 with glycine.
Molecular consequence: missense variant. On other transcripts: intron variant (68).
Genome position (GRCh38, 1-based): chr4:113,353,638, A>G. VCF-style: chr4-113353638-A-G. GRCh37 (hg19) VCF-style: chr4-114274794-A-G.
Other names: c.4786A>G, p.Ser1596Gly (NM_001386142.1); c.1420A>G, p.Ser474Gly (NM_001386166.1); c.5161A>G, p.Ser1721Gly (NM_001386174.1); c.5137A>G, p.Ser1713Gly (NM_001386175.1); c.4411+3389A>G (NM_001386186.2, NM_001386148.2); c.4213+3389A>G (NM_001354269.3); c.4291+3389A>G (NM_001386187.2); c.4252+3389A>G (NM_001386147.1); and 35 more; short protein forms S1596G, S1713G, S1674G, S1721G, S474G.
Identifiers: ClinVar variation 1381145 (VCV001381145.6), dbSNP rs2095555189, ClinGen allele CA357917905.
Genomic context (GRCh38, chr4:113,353,638, plus strand): 5'-CAGCTGCAGACAGTTCAAGATAAGGCAGGGAAGAAATGTGAGGCTCTGGCTGTTGGCAGG[A>G]GCTCTGAAAAGGAAGGGAAAGACATACCCCCAGATGAGACACAGAGTACACAGAAACAGC-3'
Protein context (NP_001139.3, residues 1664-1684): KKCEALAVGR[Ser1674Gly]SEKEGKDIPP